The following is an entry in ClinVar:

NM_017563.5(IL17RD):c.858C>T (p.Ala286=)

Gene: IL17RD (interleukin 17 receptor D; minus strand). Cytogenetic location: 3p14.3.
Variant type: single nucleotide variant.
Coding change: c.858C>T on transcript NM_017563.5 (MANE Select); coding-DNA position 858, C replaced by T.
Protein change: p.Ala286=; no amino-acid change (alanine 286 retained).
Molecular consequence: synonymous variant.
Genome position (GRCh38, 1-based): chr3:57,103,101, G>A on the plus strand (C>T on the coding strand, the complement: IL17RD is on the minus strand). VCF-style: chr3-57103101-G-A. GRCh37 (hg19) VCF-style: chr3-57137129-G-A.
Other names: c.426C>T, p.Ala142= (NM_001318864.2).
Identifiers: ClinVar variation 731021 (VCV000731021.8), dbSNP rs753934953, ClinGen allele CA2462905.

ClinVar aggregate classification (germline): Likely benign. Review status: criteria provided, single submitter (1 of 4 stars). 2 submissions from 2 submitters: Likely benign (1). 1 of the submissions does not count toward it. Last evaluated 2024-10-17.

Conditions:
IL17RD-related disorder. Also called: IL17RD-related condition.

Allele frequency attached by ClinVar (database versions not stated): TOPMed 0.00010; gnomAD 0.00013; gnomAD exomes 0.00018; ExAC 0.00024.
gnomAD v4.1: 387 of 1,600,420 alleles (0.024%); highest among the groups gnomAD compares: South Asian, 0.11%; 3 homozygotes.

Submissions (2):

Labcorp Genetics (formerly Invitae), Labcorp
Classification: Likely benign. Last evaluated: 2024-10-17. Review status: criteria provided, single submitter. Criteria: Invitae Variant Classification Sherloc (09022015). Collection method: clinical testing. Allele origin: germline.

PreventionGenetics, part of Exact Sciences
Classification: Likely benign for IL17RD-related condition. Last evaluated: 2019-08-28. Review status: no assertion criteria provided. Collection method: clinical testing. Allele origin: germline. Not counted in ClinVar's aggregate classification.
Comment: This variant is classified as likely benign based on ACMG/AMP sequence variant interpretation guidelines (Richards et al. 2015 PMID: 25741868, with internal and published modifications).